The following is an entry in ClinVar:

NM_005609.4(PYGM):c.618T>A (p.His206Gln)

Gene: PYGM (glycogen phosphorylase, muscle associated; minus strand). Cytogenetic location: 11q13.1.
Variant type: single nucleotide variant.
Coding change: c.618T>A on transcript NM_005609.4 (MANE Select); coding-DNA position 618, T replaced by A.
Protein change: p.His206Gln; replaces histidine 206 with glutamine.
Molecular consequence: missense variant.
Genome position (GRCh38, 1-based): chr11:64,757,821, A>T on the plus strand (T>A on the coding strand, the complement: PYGM is on the minus strand). VCF-style: chr11-64757821-A-T. GRCh37 (hg19) VCF-style: chr11-64525293-A-T.
Other names: c.354T>A, p.His118Gln (NM_001164716.1); short protein forms H206Q, H118Q.
Identifiers: ClinVar variation 451901 (VCV000451901.7), dbSNP rs371343340, ClinGen allele CA6080188.

ClinVar aggregate classification (germline): Uncertain significance. Review status: criteria provided, multiple submitters, no conflicts (2 of 4 stars). 4 submissions from 4 submitters: Uncertain significance (3). 1 of the submissions does not count toward it. Last evaluated 2022-01-31.

Conditions:
Glycogen storage disease, type V (GSD5). Also called: McArdle type glycogen storage disease; MCARDLE DISEASE; MUSCLE GLYCOGEN PHOSPHORYLASE DEFICIENCY; MYOPHOSPHORYLASE DEFICIENCY; PYGM DEFICIENCY. Identifiers: Orphanet 368, MedGen C0017924, MONDO:0009293, OMIM 232600.

Allele frequency attached by ClinVar (database versions not stated): gnomAD exomes below 0.00001; ExAC 0.00001; gnomAD 0.00001; TOPMed 0.00001; ESP Exome Variant Server 0.00008.
gnomAD v4.1: 18 of 1,613,946 alleles (0.0011%); highest among the groups gnomAD compares: Non-Finnish European, 0.0015%; no homozygotes.

Submissions (4):

Labcorp Genetics (formerly Invitae), Labcorp
Classification: Uncertain significance for Glycogen storage disease, type V. Last evaluated: 2022-01-31. Review status: criteria provided, single submitter. Criteria: Invitae Variant Classification Sherloc (09022015). Collection method: clinical testing. Allele origin: germline.
Comment: This sequence change replaces histidine, which is basic and polar, with glutamine, which is neutral and polar, at codon 206 of the PYGM protein (p.His206Gln). This variant is present in population databases (rs371343340, gnomAD 0.0009%). This variant has not been reported in the literature in individuals affected with PYGM-related conditions. ClinVar contains an entry for this variant (Variation ID: 451901). Algorithms developed to predict the effect of missense changes on protein structure and function are either unavailable or do not agree on the potential impact of this missense change (SIFT: "Not Available"; PolyPhen-2: "Benign"; Align-GVGD: "Not Available"). In summary, the available evidence is currently insufficient to determine the role of this variant in disease. Therefore, it has been classified as a Variant of Uncertain Significance.

Revvity Omics, Revvity
Classification: Uncertain significance for Glycogen storage disease, type V. Last evaluated: 2019-06-07. Review status: criteria provided, single submitter. Criteria: ACMG Guidelines, 2015. Collection method: clinical testing. Allele origin: germline.

GeneDx
Classification: Uncertain significance. Last evaluated: 2017-09-13. Review status: criteria provided, single submitter. Criteria: GeneDx Variant Classification (06012015). Collection method: clinical testing. Allele origin: germline. Affected: yes.
Comment: The H206Q variant in the PYGM gene has not been reported previously as a pathogenic variant, nor as a benign variant, to our knowledge. The H206Q variant is not observed at a significant frequency in large population cohorts (Lek et al., 2016; 1000 Genomes Consortium et al., 2015; Exome Variant Server). The H206Q variant is a semi-conservative amino acid substitution, which may impact secondary protein structure as these residues differ in some properties. This substitution occurs at a position where amino acids with similar properties to Histidine are tolerated across species. In silico analysis is inconsistent in its predictions as to whether or not the variant is damaging to the protein structure/function. We interpret H206Q as a variant of uncertain significance.

Natera, Inc.
Classification: Uncertain significance for Glycogen storage disease V. Last evaluated: 2020-08-17. Review status: no assertion criteria provided. Collection method: clinical testing. Allele origin: germline. Not counted in ClinVar's aggregate classification.